The following is an entry in ClinVar:

ClinVar aggregate classification (germline): Uncertain significance (1 of 4 stars; one submission).

Allele frequency attached by ClinVar (database versions not stated): ExAC 0.00011; gnomAD 0.00042; TOPMed 0.00046.
gnomAD v4.1: 101 of 1,601,976 alleles (0.0063%); highest among the groups gnomAD compares: African/African-American, 0.12%; no homozygotes.

Submission:

Labcorp Genetics (formerly Invitae), Labcorp
Classification: Uncertain significance. Last evaluated: 2022-01-07. Review status: criteria provided, single submitter. Criteria: Invitae Variant Classification Sherloc (09022015). Collection method: clinical testing. Allele origin: germline.
Comment: This sequence change replaces alanine, which is neutral and non-polar, with serine, which is neutral and polar, at codon 1240 of the SKIV2L protein (p.Ala1240Ser). This variant is present in population databases (rs764060843, gnomAD 0.1%). This variant has not been reported in the literature in individuals affected with SKIV2L-related conditions. Algorithms developed to predict the effect of missense changes on protein structure and function are either unavailable or do not agree on the potential impact of this missense change (SIFT: "Tolerated"; PolyPhen-2: "Possibly Damaging"; Align-GVGD: "Class C0"). In summary, the available evidence is currently insufficient to determine the role of this variant in disease. Therefore, it has been classified as a Variant of Uncertain Significance.

NM_006929.5(SKIC2):c.3718G>T (p.Ala1240Ser)

Gene: SKIC2 (SKI2 subunit of superkiller complex; plus strand). Cytogenetic location: 6p21.33.
Variant type: single nucleotide variant.
Coding change: c.3718G>T on transcript NM_006929.5 (MANE Select); coding-DNA position 3718, G replaced by T.
Protein change: p.Ala1240Ser; replaces alanine 1240 with serine.
Molecular consequence: missense variant.
Genome position (GRCh38, 1-based): chr6:31,969,692, G>T. VCF-style: chr6-31969692-G-T. GRCh37 (hg19) VCF-style: chr6-31937469-G-T.
Other names: short protein forms A1240S.
Identifiers: ClinVar variation 2175704 (VCV002175704.1), dbSNP rs764060843, ClinGen allele CA3730118.